The following is an entry in ClinVar:

ClinVar aggregate classification (germline): Uncertain significance (1 of 4 stars; one submission).

Allele frequency attached by ClinVar (database versions not stated): ExAC 0.00001; gnomAD exomes 0.00001.

Submission:

Labcorp Genetics (formerly Invitae), Labcorp
Classification: Uncertain significance. Last evaluated: 2024-08-21. Review status: criteria provided, single submitter. Criteria: Invitae Variant Classification Sherloc (09022015). Collection method: clinical testing. Allele origin: germline.
Comment: This sequence change replaces arginine, which is basic and polar, with tryptophan, which is neutral and slightly polar, at codon 844 of the ARHGEF1 protein (p.Arg844Trp). This variant is present in population databases (rs782092760, gnomAD 0.007%). This variant has not been reported in the literature in individuals affected with ARHGEF1-related conditions. ClinVar contains an entry for this variant (Variation ID: 1405553). An algorithm developed to predict the effect of missense changes on protein structure and function (PolyPhen-2) suggests that this variant is likely to be disruptive. In summary, the available evidence is currently insufficient to determine the role of this variant in disease. Therefore, it has been classified as a Variant of Uncertain Significance.

NM_004706.4(ARHGEF1):c.2485C>T (p.Arg829Trp)

Gene: ARHGEF1 (Rho guanine nucleotide exchange factor 1; plus strand). Cytogenetic location: 19q13.2.
Variant type: single nucleotide variant.
Coding change: c.2485C>T on transcript NM_004706.4 (MANE Select); coding-DNA position 2485, C replaced by T.
Protein change: p.Arg829Trp; replaces arginine 829 with tryptophan.
Molecular consequence: missense variant.
Genome position (GRCh38, 1-based): chr19:41,906,019, C>T. VCF-style: chr19-41906019-C-T. GRCh37 (hg19) VCF-style: chr19-42410171-C-T.
Other names: c.2386C>T, p.Arg796Trp (NM_198977.2); c.2530C>T, p.Arg844Trp (NM_199002.2); short protein forms R796W, R829W, R844W.
Identifiers: ClinVar variation 1405553 (VCV001405553.9), dbSNP rs782092760, ClinGen allele CA9466739.
Genomic context (GRCh38, chr19:41,906,019, plus strand): 5'-AGTGACCTCCTGCCCTTCTGCAGACCAGGCCCCGAGGGCCAGCTCGCTGCCACGGCCCTT[C>T]GGAAAGGTAGCCCAGCTCTGCCCCTCCAGGGTGGCCACCAGCCCAAACAGTGCCTCTGTT-3'
Protein context (NP_004697.2, residues 819-839): PEGQLAATAL[Arg829Trp]KVLSLKQLLF